The following is an entry in ClinVar:

NM_001130823.3(DNMT1):c.4881G>A (p.Glu1627=)

Gene: DNMT1 (DNA methyltransferase 1; minus strand). Cytogenetic location: 19p13.2.
Variant type: single nucleotide variant.
Coding change: c.4881G>A on transcript NM_001130823.3 (MANE Select); coding-DNA position 4881, G replaced by A.
Protein change: p.Glu1627=; no amino-acid change (glutamic acid 1627 retained).
Molecular consequence: synonymous variant.
Genome position (GRCh38, 1-based): chr19:10,133,685, C>T on the plus strand (G>A on the coding strand, the complement: DNMT1 is on the minus strand). VCF-style: chr19-10133685-C-T. GRCh37 (hg19) VCF-style: chr19-10244361-C-T.
Other names: c.4842G>A, p.Glu1614= (NM_001318730.2); c.4518G>A, p.Glu1506= (NM_001318731.2); c.4833G>A, p.Glu1611= (NM_001379.4).
Identifiers: ClinVar variation 2649285 (VCV002649285.27), dbSNP rs763502466, ClinGen allele CA9187358.

ClinVar aggregate classification (germline): Likely benign. Review status: criteria provided, multiple submitters, no conflicts (2 of 4 stars). 2 submissions from 2 submitters: Likely benign (2). Last evaluated 2023-02-21.

Conditions:
Hereditary sensory neuropathy-deafness-dementia syndrome. Also called: HSN IE; Hereditary sensory neuropathy type IE; NEUROPATHY, HEREDITARY SENSORY, WITH HEARING LOSS AND DEMENTIA; Hereditary Sensory and Autonomic Neuropathy Type 1E (HSAN1E). Identifiers: Orphanet 456318, MedGen C3279885, MONDO:0013584, OMIM 614116.

Allele frequency attached by ClinVar (database versions not stated): gnomAD 0.00001; TOPMed 0.00001; ExAC 0.00002.
gnomAD v4.1: 12 of 1,597,076 alleles (0.00075%); highest among the groups gnomAD compares: East Asian, 0.011%; no homozygotes.

Submissions (2):

Labcorp Genetics (formerly Invitae), Labcorp
Classification: Likely benign for Hereditary sensory neuropathy-deafness-dementia syndrome. Last evaluated: 2023-02-21. Review status: criteria provided, single submitter. Criteria: Invitae Variant Classification Sherloc (09022015). Collection method: clinical testing. Allele origin: germline.

CeGaT Center for Human Genetics Tuebingen
Classification: Likely benign. Last evaluated: 2022-06-01. Review status: criteria provided, single submitter. Criteria: CeGaT Center For Human Genetics Tuebingen Variant Classification Criteria Version 2. Collection method: clinical testing. Allele origin: germline. Affected: yes. Observed: 1 variant allele.
Comment: DNMT1: BP4, BP7